The following is an entry in ClinVar:

ClinVar aggregate classification (germline): Conflicting classifications of pathogenicity. Review status: criteria provided, conflicting classifications (1 of 4 stars). 3 submissions from 3 submitters: Uncertain significance (2); Likely benign (1). Last evaluated 2026-07-01.

Submissions (3):

CeGaT Center for Human Genetics Tuebingen
Classification: Likely benign. Last evaluated: 2026-07-01. Review status: criteria provided, single submitter. Criteria: CeGaT Center For Human Genetics Tuebingen Variant Classification Criteria Version 2. Collection method: clinical testing. Allele origin: germline. Affected: yes. Observed: 1 variant allele.
Comment: P2RX2: BP4

Ambry Genetics
Classification: Uncertain significance. Last evaluated: 2025-02-20. Review status: criteria provided, single submitter. Criteria: Ambry Variant Classification Scheme 2023. Collection method: clinical testing. Allele origin: germline.

Labcorp Genetics (formerly Invitae), Labcorp
Classification: Uncertain significance. Last evaluated: 2024-12-19. Review status: criteria provided, single submitter. Criteria: Invitae Variant Classification Sherloc (09022015). Collection method: clinical testing. Allele origin: germline.
Comment: This sequence change replaces tyrosine, which is neutral and polar, with cysteine, which is neutral and slightly polar, at codon 235 of the P2RX2 protein (p.Tyr235Cys). This variant is present in population databases (rs770518108, gnomAD 0.01%). This variant has not been reported in the literature in individuals affected with P2RX2-related conditions. Invitae Evidence Modeling of protein sequence and biophysical properties (such as structural, functional, and spatial information, amino acid conservation, physicochemical variation, residue mobility, and thermodynamic stability) indicates that this missense variant is expected to disrupt P2RX2 protein function with a positive predictive value of 80%. In summary, the available evidence is currently insufficient to determine the role of this variant in disease. Therefore, it has been classified as a Variant of Uncertain Significance.

NM_170682.4(P2RX2):c.704A>G (p.Tyr235Cys)

Gene: P2RX2 (purinergic receptor P2X 2; plus strand). Cytogenetic location: 12q24.33.
Variant type: single nucleotide variant.
Coding change: c.704A>G on transcript NM_170682.4 (MANE Select); coding-DNA position 704, A replaced by G.
Protein change: p.Tyr235Cys; replaces tyrosine 235 with cysteine.
Molecular consequence: missense variant. On other transcripts: synonymous variant (1).
Genome position (GRCh38, 1-based): chr12:132,620,513, A>G. VCF-style: chr12-132620513-A-G. GRCh37 (hg19) VCF-style: chr12-133197099-A-G.
Other names: c.597A>G, p.Leu199= (NM_001282164.2); c.704A>G, p.Tyr235Cys (NM_001282165.2, NM_170683.4, NM_174873.3); c.488A>G, p.Tyr163Cys (NM_012226.5); c.632A>G, p.Tyr211Cys (NM_016318.4); c.428A>G, p.Tyr143Cys (NM_174872.3); c.704A>G (NM_170683.2); short protein forms Y235C, Y163C, Y211C, Y143C.
Identifiers: ClinVar variation 3687543 (VCV003687543.5).
Genomic context (GRCh38, chr12:132,620,513, plus strand): 5'-TCGCCGACCGCACAGACGGGTACCTGAAGCGCTGCACGTTCCACGAGGCCTCCGACCTCT[A>G]CTGCCCCATCTTCAAGCTGGGCTTTATCGTGGAGAAGGCTGGGGAGAGCTTCACAGAGCT-3'
Protein context (NP_733782.1, residues 225-245): RCTFHEASDL[Tyr235Cys]CPIFKLGFIV